The following is an entry in ClinVar:

ClinVar aggregate classification (germline): Uncertain significance. Review status: criteria provided, multiple submitters, no conflicts (2 of 4 stars). 3 submissions from 3 submitters: Uncertain significance (3). Last evaluated 2022-05-27.

Conditions:
Inborn genetic diseases. Identifiers: MedGen C0950123, MeSH D030342.

Allele frequency attached by ClinVar (database versions not stated): ExAC 0.00001; gnomAD exomes 0.00001; TOPMed 0.00001; gnomAD 0.00002.
gnomAD v4.1: 19 of 1,613,802 alleles (0.0012%); highest among the groups gnomAD compares: Non-Finnish European, 0.0015%; no homozygotes.

Submissions (3):

Labcorp Genetics (formerly Invitae), Labcorp
Classification: Uncertain significance. Last evaluated: 2022-05-27. Review status: criteria provided, single submitter. Criteria: Invitae Variant Classification Sherloc (09022015). Collection method: clinical testing. Allele origin: germline.
Comment: In summary, the available evidence is currently insufficient to determine the role of this variant in disease. Therefore, it has been classified as a Variant of Uncertain Significance. Algorithms developed to predict the effect of sequence changes on RNA splicing suggest that this variant may disrupt the consensus splice site. Algorithms developed to predict the effect of missense changes on protein structure and function are either unavailable or do not agree on the potential impact of this missense change (SIFT: "Deleterious"; PolyPhen-2: "Probably Damaging"; Align-GVGD: "Class C0"). This variant has not been reported in the literature in individuals affected with CDHR1-related conditions. This variant is present in population databases (rs776765032, gnomAD 0.003%). This sequence change replaces glycine, which is neutral and non-polar, with arginine, which is basic and polar, at codon 390 of the CDHR1 protein (p.Gly390Arg).

Ambry Genetics
Classification: Uncertain significance for Inborn genetic diseases. Last evaluated: 2021-08-02. Review status: criteria provided, single submitter. Criteria: Ambry Variant Classification Scheme 2023. Collection method: clinical testing. Allele origin: germline.

Blueprint Genetics
Classification: Uncertain significance. Last evaluated: 2020-02-03. Review status: criteria provided, single submitter. Criteria: ACMG Guidelines, 2015. Collection method: clinical testing. Allele origin: germline.

NM_033100.4(CDHR1):c.1168G>A (p.Gly390Arg)

Gene: CDHR1 (cadherin related family member 1; plus strand). Cytogenetic location: 10q23.1.
Variant type: single nucleotide variant.
Coding change: c.1168G>A on transcript NM_033100.4 (MANE Select); coding-DNA position 1168, G replaced by A.
Protein change: p.Gly390Arg; replaces glycine 390 with arginine.
Molecular consequence: missense variant.
Genome position (GRCh38, 1-based): chr10:84,208,729, G>A. VCF-style: chr10-84208729-G-A. GRCh37 (hg19) VCF-style: chr10-85968485-G-A.
Other names: c.1168G>A, p.Gly390Arg (NM_001171971.3); c.1168G>A (NM_033100.2); short protein forms G390R.
Identifiers: ClinVar variation 1506484 (VCV001506484.8), dbSNP rs776765032, ClinGen allele CA5579875.